The following is an entry in ClinVar:

NM_015627.3(LDLRAP1):c.67G>T (p.Gly23Trp)

Genes: LDLRAP1 (low density lipoprotein receptor adaptor protein 1; plus strand), LOC129929773 (ATAC-STARR-seq lymphoblastoid silent region 456; plus strand). Cytogenetic location: 1p36.11.
Variant type: single nucleotide variant.
Coding change: c.67G>T on transcript NM_015627.3 (MANE Select); coding-DNA position 67, G replaced by T.
Protein change: p.Gly23Trp; replaces glycine 23 with tryptophan.
Molecular consequence: missense variant.
Genome position (GRCh38, 1-based): chr1:25,543,765, G>T. VCF-style: chr1-25543765-G-T. GRCh37 (hg19) VCF-style: chr1-25870256-G-T.
Other names: short protein forms G23W.
Identifiers: ClinVar variation 1389522 (VCV001389522.3), dbSNP rs546193771, ClinGen allele CA339076698.

ClinVar aggregate classification (germline): Uncertain significance (1 of 4 stars; one submission).

Conditions:
Hypercholesterolemia, familial, 4 (FHCL4). Also called: HYPERCHOLESTEROLEMIA, AUTOSOMAL RECESSIVE, 1; HYPERCHOLESTEROLEMIA, AUTOSOMAL RECESSIVE, 2. Identifiers: Orphanet 391665, MedGen C1863512, MONDO:0011374, OMIM 603813.

gnomAD v4.1: 3 of 1,209,860 alleles (0.00025%); highest among the groups gnomAD compares: East Asian, 0.0034%; no homozygotes.

Submission:

Labcorp Genetics (formerly Invitae), Labcorp
Classification: Uncertain significance for Hypercholesterolemia, familial, 4. Last evaluated: 2021-12-11. Review status: criteria provided, single submitter. Criteria: Invitae Variant Classification Sherloc (09022015). Collection method: clinical testing. Allele origin: germline.
Comment: This sequence change replaces glycine, which is neutral and non-polar, with tryptophan, which is neutral and slightly polar, at codon 23 of the LDLRAP1 protein (p.Gly23Trp). This variant is not present in population databases (gnomAD no frequency). This variant has not been reported in the literature in individuals affected with LDLRAP1-related conditions. Algorithms developed to predict the effect of missense changes on protein structure and function are either unavailable or do not agree on the potential impact of this missense change (SIFT: "Deleterious"; PolyPhen-2: "Benign"; Align-GVGD: "Class C0"). Algorithms developed to predict the effect of sequence changes on RNA splicing suggest that this variant may create or strengthen a splice site. In summary, the available evidence is currently insufficient to determine the role of this variant in disease. Therefore, it has been classified as a Variant of Uncertain Significance.